The following is an entry in ClinVar:

ClinVar aggregate classification (germline): Conflicting classifications of pathogenicity. Review status: criteria provided, conflicting classifications (1 of 4 stars). 3 submissions from 3 submitters: Uncertain significance (2); Likely benign (1). Last evaluated 2026-01-27.

Conditions:
Mitochondrial DNA depletion syndrome 13. Also called: FBXL4-Related Encephalomyopathic Mitochondrial DNA Depletion Syndrome; Mitochondrial DNA depletion syndrome 13 (encephalomyopathic type). Identifiers: Orphanet 369897, MedGen C3809592, MONDO:0014198, OMIM 615471.

Allele frequency attached by ClinVar (database versions not stated): gnomAD 0.00002 and 0.00003; TOPMed 0.00004; gnomAD exomes 0.00009 and 0.00012; ExAC 0.00012.
gnomAD v4.1: 176 of 1,613,944 alleles (0.011%); highest among the groups gnomAD compares: Non-Finnish European, 0.014%; no homozygotes.

Submissions (3):

Labcorp Genetics (formerly Invitae), Labcorp
Classification: Likely benign. Last evaluated: 2026-01-27. Review status: criteria provided, single submitter. Criteria: Invitae Variant Classification Sherloc (09022015). Collection method: clinical testing. Allele origin: germline.

CeGaT Center for Human Genetics Tuebingen
Classification: Uncertain significance. Last evaluated: 2023-09-01. Review status: criteria provided, single submitter. Criteria: CeGaT Center For Human Genetics Tuebingen Variant Classification Criteria Version 2. Collection method: clinical testing. Allele origin: germline. Affected: yes. Observed: 1 variant allele.
Comment: FBXL4: PM2, BP4

Wong Mito Lab, Molecular and Human Genetics, Baylor College of Medicine
Classification: Uncertain significance for Mitochondrial DNA depletion syndrome 13. Last evaluated: 2017-08-10. Review status: criteria provided, single submitter. Criteria: ACMG Guidelines, 2015. Collection method: reference population. Allele origin: germline.
Comment: The NM_012160.4:c.766G>A (NP_036292.2:p.Gly256Ser) [GRCH38: NC_000006.12:g.98917466C>T] variant in FBXL4 gene is interpretated to be a Uncertain Significance - Conflicting Evidence based on ACMG guidelines (PMID: 25741868). This variant meets one or more of the following evidence codes reported in the ACMG-guideline. PM2:This variant is absent in key population databases. BP4:Computational evidence/predictors indicate no impact on the FBXL4 structure, function, or protein-protein interaction. Based on this evidence code ClinGen Pathogenicity Calculator (PMID:28081714) suggested that the variant is Uncertain Significance - Conflicting Evidence.

NM_001278716.2(FBXL4):c.766G>A (p.Gly256Ser)

Gene: FBXL4 (F-box and leucine rich repeat protein 4; minus strand). Cytogenetic location: 6q16.2.
Variant type: single nucleotide variant.
Coding change: c.766G>A on transcript NM_001278716.2 (MANE Select); coding-DNA position 766, G replaced by A.
Protein change: p.Gly256Ser; replaces glycine 256 with serine.
Molecular consequence: missense variant.
Genome position (GRCh38, 1-based): chr6:98,917,466, C>T on the plus strand (G>A on the coding strand, the complement: FBXL4 is on the minus strand). VCF-style: chr6-98917466-C-T. GRCh37 (hg19) VCF-style: chr6-99365342-C-T.
Other names: c.766G>A, p.Gly256Ser (NM_012160.5); short protein forms G256S.
Identifiers: ClinVar variation 437633 (VCV000437633.30), dbSNP rs765912815, ClinGen allele CA3933619.